The following is an entry in ClinVar:

ClinVar aggregate classification (germline): Benign/Likely benign. Review status: criteria provided, multiple submitters, no conflicts (2 of 4 stars). 4 submissions from 4 submitters: Benign (1); Likely benign (2). 1 of the submissions does not count toward it. Last evaluated 2024-09-02.

Conditions:
Retinal dystrophy. Also called: Inherited retinal dystrophy. Identifiers: Orphanet 71862, MedGen C0854723, MeSH D058499, MONDO:0019118, HP:0000556.
Occult macular dystrophy (OCMD). Also called: OMD; OCCULT MACULAR DYSTROPHY, SUSCEPTIBILITY TO. Identifiers: Orphanet 247834, MedGen C3150833, MONDO:0013316, OMIM 613587, HP:0030636.

Allele frequency attached by ClinVar (database versions not stated): gnomAD 0.00009 and 0.00016; TOPMed 0.00014; 1000 Genomes Project 30x 0.00016; 1000 Genomes Project 0.00020; gnomAD exomes 0.00039; ExAC 0.00046.
gnomAD v4.1: 526 of 1,614,150 alleles (0.033%); highest among the groups gnomAD compares: East Asian, 1%; 5 homozygotes.

Submissions (4):

Blueprint Genetics
Classification: Likely benign. Last evaluated: 2024-09-02. Review status: criteria provided, single submitter. Criteria: ACMG Guidelines, 2015. Collection method: clinical testing. Allele origin: germline.

Dept Of Ophthalmology, Nagoya University
Classification: Benign for Retinal dystrophy. Last evaluated: 2023-10-01. Review status: criteria provided, single submitter. Criteria: Submitter's publication. Collection method: research. Allele origin: germline. Affected: yes.

Illumina Laboratory Services, Illumina
Classification: Likely benign for Occult macular dystrophy. Last evaluated: 2017-04-27. Review status: criteria provided, single submitter. Criteria: ICSL Variant Classification Criteria 13 December 2019. Collection method: clinical testing. Allele origin: germline.
Comment: This variant was observed as part of a predisposition screen in an ostensibly healthy population. A literature search was performed for the gene, cDNA change, and amino acid change (where applicable). Publications were found based on this search. The evidence from the literature, in combination with allele frequency data from public databases where available, was sufficient to determine this variant is unlikely to cause disease. Therefore, this variant is classified as likely benign.

Department of Ophthalmology and Visual Sciences Kyoto University
Classification: Likely benign. Review status: no assertion criteria provided. Collection method: not provided. Allele origin: unknown. Not counted in ClinVar's aggregate classification.
ClinVar note: Converted during submission from probable-non-pathogenic to Likely benign.

Literature cited by the submitters: PubMed 25908487 (cited by Illumina Laboratory Services, Illumina); PubMed 23745001 (cited by Illumina Laboratory Services, Illumina); PubMed 24838559 (cited by Illumina Laboratory Services, Illumina).

NM_178857.6(RP1L1):c.4273G>C (p.Asp1425His)

Gene: RP1L1 (RP1 like 1). Cytogenetic location: 8p23.1.
Variant type: single nucleotide variant.
Coding change: c.4273G>C on transcript NM_178857.6 (MANE Select); coding-DNA position 4273, G replaced by C.
Protein change: p.Asp1425His; replaces aspartic acid 1425 with histidine.
Molecular consequence: missense variant.
Genome position (GRCh38, 1-based): chr8:10,609,825, C>G on the plus strand (G>C on the coding strand, the complement: RP1L1 is on the minus strand). VCF-style: chr8-10609825-C-G. GRCh37 (hg19) VCF-style: chr8-10467335-C-G.
Other names: short protein forms D1425H.
Identifiers: ClinVar variation 143166 (VCV000143166.8), dbSNP rs201205913, ClinGen allele CA232860.